The following is an entry in ClinVar:

NM_000094.4(COL7A1):c.4466del (p.Gly1489fs)

Gene: COL7A1 (collagen type VII alpha 1 chain; minus strand). Cytogenetic location: 3p21.31.
Variant type: Deletion.
Coding change: c.4466del on transcript NM_000094.4 (MANE Select); coding-DNA position 4466, one base deleted (G; older notation c.4466delG).
Protein change: p.Gly1489fs; shifts the reading frame from glycine 1489.
Molecular consequence: frameshift variant.
Genome position (GRCh38, 1-based): chr3:48,583,143, C deleted on the plus strand (G on the coding strand, the reverse complement: COL7A1 is on the minus strand); the first of 3 consecutive C bases (chr3:48,583,143-48,583,145); deleting any one gives the same sequence. VCF-style (leftmost placement, unchanged base first): chr3-48583142-AC-A. GRCh37 (hg19) VCF-style: chr3-48620575-AC-A.
Other names: c.4466delG (NM_000094.3); short protein forms G1489fs.
Identifiers: ClinVar variation 280735 (VCV000280735.6), dbSNP rs886041885, ClinGen allele CA10602896.
Genomic context (GRCh38, chr3:48,583,142, plus strand): 5'-GCCCAGATCCTCCAGGGCCCTTGGCACCCCCCAGGTTGCACTTACCTTCTCTCCAGCCTC[AC>A]CCAGGGGCCCTGGAAAGCCCCGGTCACCCTGAAGAGAGAGGGTGAGAGAAAGACAGAGAG-3'

ClinVar aggregate classification (germline): Pathogenic (1 of 4 stars; one submission).

Submission:

GeneDx
Classification: Pathogenic. Last evaluated: 2023-09-27. Review status: criteria provided, single submitter. Criteria: GeneDx Variant Classification Process June 2021. Collection method: clinical testing. Allele origin: germline. Affected: yes.
Comment: Frameshift variant predicted to result in protein truncation or nonsense mediated decay in a gene for which loss-of-function is a known mechanism of disease; Not observed in large population cohorts (gnomAD); Has not been previously published as pathogenic or benign to our knowledge